The following is an entry in ClinVar:

ClinVar aggregate classification (germline): Likely benign. Review status: criteria provided, single submitter (1 of 4 stars). 2 submissions from 2 submitters: Likely benign (1). 1 of the submissions does not count toward it. Last evaluated 2024-12-16.

Conditions:
MKS1-related disorder. Also called: MKS1-related condition; MKS1-related disorders. Identifiers: MedGen CN239382.
Meckel-Gruber syndrome. Also called: DYSENCEPHALIA SPLANCHNOCYSTICA; Dysencephalia splachnocystica; GRUBER SYNDROME. Identifiers: Orphanet 564, MedGen C0265215, MONDO:0018921.
Joubert syndrome. Also called: JOUBERT-BOLTSHAUSER SYNDROME; Familial aplasia of the vermis. Identifiers: Orphanet 475, MedGen C5979921, MONDO:0018772.

Allele frequency attached by ClinVar (database versions not stated): ExAC 0.00001; gnomAD 0.00001; gnomAD exomes 0.00001; TOPMed 0.00003.
gnomAD v4.1: 20 of 1,613,936 alleles (0.0012%); highest among the groups gnomAD compares: Non-Finnish European, 0.0016%; no homozygotes.

Submissions (2):

Labcorp Genetics (formerly Invitae), Labcorp
Classification: Likely benign for Joubert syndrome; Meckel-Gruber syndrome. Last evaluated: 2024-12-16. Review status: criteria provided, single submitter. Criteria: Invitae Variant Classification Sherloc (09022015). Collection method: clinical testing. Allele origin: germline.

PreventionGenetics, part of Exact Sciences
Classification: Likely benign for MKS1-related condition. Last evaluated: 2024-01-31. Review status: no assertion criteria provided. Collection method: clinical testing. Allele origin: germline. Not counted in ClinVar's aggregate classification.
Comment: This variant is classified as likely benign based on ACMG/AMP sequence variant interpretation guidelines (Richards et al. 2015 PMID: 25741868, with internal and published modifications).

NM_017777.4(MKS1):c.1589-7C>T

Gene: MKS1 (MKS transition zone complex subunit 1; minus strand). Cytogenetic location: 17q22.
Variant type: single nucleotide variant.
Coding change: c.1589-7C>T on transcript NM_017777.4 (MANE Select); 7 bases into the intron before coding-DNA position 1589, C replaced by T.
Molecular consequence: intron variant.
Genome position (GRCh38, 1-based): chr17:58,206,177, G>A on the plus strand (C>T on the coding strand, the complement: MKS1 is on the minus strand). VCF-style: chr17-58206177-G-A. GRCh37 (hg19) VCF-style: chr17-56283538-G-A.
Other names: c.980-7C>T (NM_001321268.2); c.*1-7C>T (NM_001330397.2); c.1506-7C>T (NM_001321269.2); c.1589-7C>T (NM_017777.3).
Identifiers: ClinVar variation 1149126 (VCV001149126.11), dbSNP rs756418206, ClinGen allele CA8669072.